The following is an entry in ClinVar:

ClinVar aggregate classification (germline): Uncertain significance. Review status: criteria provided, multiple submitters, no conflicts (2 of 4 stars). 2 submissions from 2 submitters: Uncertain significance (2). Last evaluated 2025-08-06.

Allele frequency attached by ClinVar (database versions not stated): ESP Exome Variant Server 0.00008; ExAC 0.00012; gnomAD 0.00012 and 0.00013; gnomAD exomes 0.00014 and 0.00020; TOPMed 0.00015.

Submissions (2):

Labcorp Genetics (formerly Invitae), Labcorp
Classification: Uncertain significance. Last evaluated: 2025-08-06. Review status: criteria provided, single submitter. Criteria: Invitae Variant Classification Sherloc (09022015). Collection method: clinical testing. Allele origin: germline.
Comment: This sequence change replaces alanine, which is neutral and non-polar, with valine, which is neutral and non-polar, at codon 64 of the OR2W3 protein (p.Ala64Val). This variant is present in population databases (rs199668647, gnomAD 0.03%). This variant has not been reported in the literature in individuals affected with OR2W3-related conditions. ClinVar contains an entry for this variant (Variation ID: 1440356). An algorithm developed to predict the effect of missense changes on protein structure and function (PolyPhen-2) suggests that this variant is likely to be tolerated. In summary, the available evidence is currently insufficient to determine the role of this variant in disease. Therefore, it has been classified as a Variant of Uncertain Significance.

Ambry Genetics
Classification: Uncertain significance. Last evaluated: 2024-12-16. Review status: criteria provided, single submitter. Criteria: Ambry Variant Classification Scheme 2023. Collection method: clinical testing. Allele origin: germline.

NM_001001957.2(OR2W3):c.191C>T (p.Ala64Val)

Gene: OR2W3 (olfactory receptor family 2 subfamily W member 3; plus strand). Cytogenetic location: 1q44.
Variant type: single nucleotide variant.
Coding change: c.191C>T on transcript NM_001001957.2 (MANE Select); coding-DNA position 191, C replaced by T.
Protein change: p.Ala64Val; replaces alanine 64 with valine.
Molecular consequence: missense variant.
Genome position (GRCh38, 1-based): chr1:247,895,777, C>T. VCF-style: chr1-247895777-C-T. GRCh37 (hg19) VCF-style: chr1-248059079-C-T.
Other names: short protein forms A64V.
Identifiers: ClinVar variation 1440356 (VCV001440356.8), dbSNP rs199668647, ClinGen allele CA1498535.